The following is an entry in ClinVar:

ClinVar aggregate classification (germline): Uncertain significance (1 of 4 stars; one submission).

Conditions:
Inborn genetic diseases. Identifiers: MedGen C0950123, MeSH D030342.

Submission:

Ambry Genetics
Classification: Uncertain significance for Inborn genetic diseases. Last evaluated: 2024-04-25. Review status: criteria provided, single submitter. Criteria: Ambry Variant Classification Scheme 2023. Collection method: clinical testing. Allele origin: germline.
Comment: The p.I1864V variant (also known as c.5590A>G), located in coding exon 33 of the ATR gene, results from an A to G substitution at nucleotide position 5590. The isoleucine at codon 1864 is replaced by valine, an amino acid with highly similar properties. This amino acid position is conserved. In addition, this alteration is predicted to be tolerated by in silico analysis. Based on the available evidence, the clinical significance of this variant remains unclear.

NM_001184.4(ATR):c.5590A>G (p.Ile1864Val)

Gene: ATR (ATR serine/threonine kinase; minus strand). Cytogenetic location: 3q23.
Variant type: single nucleotide variant.
Coding change: c.5590A>G on transcript NM_001184.4 (MANE Select); coding-DNA position 5590, A replaced by G.
Protein change: p.Ile1864Val; replaces isoleucine 1864 with valine.
Molecular consequence: missense variant.
Genome position (GRCh38, 1-based): chr3:142,497,161, T>C on the plus strand (A>G on the coding strand, the complement: ATR is on the minus strand). VCF-style: chr3-142497161-T-C. GRCh37 (hg19) VCF-style: chr3-142216003-T-C.
Other names: c.5398A>G, p.Ile1800Val (NM_001354579.2); short protein forms I1800V, I1864V.
Identifiers: ClinVar variation 3331726 (VCV003331726.1).
Genomic context (GRCh38, chr3:142,497,161, plus strand): 5'-CCCAGTTTAGAGAATCTTCTTGAGAACTGTCACCTGGAGAATGCTGGAAAAGTGGTTTGA[T>C]GCTATGCTCCAACTCACATAACATGTGCAATCTGAAGATAGATAGAGCCTATGTTAAAAT-3'
Protein context (NP_001175.2, residues 1854-1874): LHMLCELEHS[Ile1864Val]KPLFQHSPGD